The following is an entry in ClinVar:

NM_138395.4(MARS2):c.151A>G (p.Ile51Val)

Gene: MARS2 (methionyl-tRNA synthetase 2, mitochondrial; plus strand). Cytogenetic location: 2q33.1.
Variant type: single nucleotide variant.
Coding change: c.151A>G on transcript NM_138395.4 (MANE Select); coding-DNA position 151, A replaced by G.
Protein change: p.Ile51Val; replaces isoleucine 51 with valine.
Molecular consequence: missense variant.
Genome position (GRCh38, 1-based): chr2:197,705,556, A>G. VCF-style: chr2-197705556-A-G. GRCh37 (hg19) VCF-style: chr2-198570280-A-G.
Other names: short protein forms I51V.
Identifiers: ClinVar variation 1486955 (VCV001486955.6), dbSNP rs775088982, ClinGen allele CA2044522.

ClinVar aggregate classification (germline): Uncertain significance (1 of 4 stars; one submission).

Allele frequency attached by ClinVar (database versions not stated): gnomAD exomes below 0.00001; ExAC 0.00001; gnomAD 0.00001; TOPMed 0.00001.

Submission:

Labcorp Genetics (formerly Invitae), Labcorp
Classification: Uncertain significance. Last evaluated: 2024-10-23. Review status: criteria provided, single submitter. Criteria: Invitae Variant Classification Sherloc (09022015). Collection method: clinical testing. Allele origin: germline.
Comment: This sequence change replaces isoleucine, which is neutral and non-polar, with valine, which is neutral and non-polar, at codon 51 of the MARS2 protein (p.Ile51Val). This variant is present in population databases (rs775088982, gnomAD 0.006%). This variant has not been reported in the literature in individuals affected with MARS2-related conditions. ClinVar contains an entry for this variant (Variation ID: 1486955). Invitae Evidence Modeling of protein sequence and biophysical properties (such as structural, functional, and spatial information, amino acid conservation, physicochemical variation, residue mobility, and thermodynamic stability) indicates that this missense variant is not expected to disrupt MARS2 protein function with a negative predictive value of 80%. In summary, the available evidence is currently insufficient to determine the role of this variant in disease. Therefore, it has been classified as a Variant of Uncertain Significance.